The following is an entry in ClinVar:

ClinVar aggregate classification (germline): Uncertain significance (1 of 4 stars; one submission).

Conditions:
Hereditary cancer-predisposing syndrome. Also called: Hereditary neoplastic syndrome; Tumor predisposition; Hereditary Cancer Syndrome; Neoplastic Syndromes, Hereditary. Identifiers: Orphanet 140162, MedGen C0027672, MeSH D009386, MONDO:0015356.

Submission:

Ambry Genetics
Classification: Uncertain significance for Hereditary cancer-predisposing syndrome. Last evaluated: 2023-07-01. Review status: criteria provided, single submitter. Criteria: Ambry Variant Classification Scheme 2023. Collection method: clinical testing. Allele origin: germline.
Comment: The p.M282I variant (also known as c.846G>T), located in coding exon 6 of the RAD50 gene, results from a G to T substitution at nucleotide position 846. The methionine at codon 282 is replaced by isoleucine, an amino acid with highly similar properties. This amino acid position is conserved. In addition, this alteration is predicted to be tolerated by in silico analysis. Since supporting evidence is limited at this time, the clinical significance of this alteration remains unclear.

NM_005732.4(RAD50):c.846G>T (p.Met282Ile)

Gene: RAD50 (RAD50 double strand break repair protein; plus strand). Cytogenetic location: 5q31.1.
Variant type: single nucleotide variant.
Coding change: c.846G>T on transcript NM_005732.4 (MANE Select); coding-DNA position 846, G replaced by T.
Protein change: p.Met282Ile; replaces methionine 282 with isoleucine.
Molecular consequence: missense variant.
Genome position (GRCh38, 1-based): chr5:132,587,651, G>T. VCF-style: chr5-132587651-G-T. GRCh37 (hg19) VCF-style: chr5-131923343-G-T.
Other names: short protein forms M282I.
Identifiers: ClinVar variation 2586241 (VCV002586241.2), dbSNP rs2479631836, ClinGen allele CA360940396.
Genomic context (GRCh38, chr5:132,587,651, plus strand): 5'-CTCTAAAATAATGAAACTTGACAATGAAATTAAAGCCTTGGATAGCCGAAAGAAGCAAAT[G>T]GAGAAAGATAATAGTGAACTGGAAGAGAAAATGGAAAAGGTTTGTGGTGGTAGAATTTTG-3'
Protein context (NP_005723.2, residues 272-292): IKALDSRKKQ[Met282Ile]EKDNSELEEK